The following is an entry in ClinVar:

NM_004415.4(DSP):c.4924G>T (p.Gly1642Cys)

Gene: DSP (desmoplakin; plus strand). Cytogenetic location: 6p24.3.
Variant type: single nucleotide variant.
Coding change: c.4924G>T on transcript NM_004415.4 (MANE Select); coding-DNA position 4924, G replaced by T.
Protein change: p.Gly1642Cys; replaces glycine 1642 with cysteine.
Molecular consequence: missense variant. On other transcripts: intron variant (2).
Genome position (GRCh38, 1-based): chr6:7,581,114, G>T. VCF-style: chr6-7581114-G-T. GRCh37 (hg19) VCF-style: chr6-7581347-G-T.
Other names: c.4050+874G>T (NM_001319034.2); c.3582+1342G>T (NM_001008844.3); short protein forms G1642C.
Identifiers: ClinVar variation 4757067 (VCV004757067.1).

ClinVar aggregate classification (germline): Uncertain significance (1 of 4 stars; one submission).

Conditions:
Cardiomyopathy (CMYO). Also called: Cardiomyopathies. Identifiers: Orphanet 167848, MedGen C0878544, MONDO:0004994, HP:0001638. Inheritance: Various modes of inheritance.

Submission:

Color Diagnostics, LLC DBA Color Health
Classification: Uncertain significance for Cardiomyopathy. Last evaluated: 2025-06-23. Review status: criteria provided, single submitter. Criteria: ACMG Guidelines, 2015. Collection method: clinical testing. Allele origin: germline.
Comment: This missense variant replaces glycine with cysteine at codon 1642 of the DSP protein. Computational prediction suggests that this variant may not impact protein structure and function. To our knowledge, functional studies have not been reported for this variant. This variant has not been reported in individuals affected with DSP-related disorders in the literature. This variant has not been identified in the general population by the Genome Aggregation Database (gnomAD). The available evidence is insufficient to determine the role of this variant in disease conclusively. Therefore, this variant is classified as a Variant of Uncertain Significance.